The following is an entry in ClinVar:

ClinVar aggregate classification (germline): Uncertain significance (1 of 4 stars; one submission).

Conditions:
VPS13B-related disorder. Also called: VPS13B-related condition.

gnomAD v4.1: 1 of 1,613,866 alleles (0.000062%); highest among the groups gnomAD compares: African/African-American, 0.0013%; no homozygotes.

Submission:

PreventionGenetics, part of Exact Sciences
Classification: Uncertain significance for VPS13B-related condition. Last evaluated: 2026-03-24. Review status: criteria provided, single submitter. Criteria: ACMG Guidelines, 2015. Collection method: clinical testing. Allele origin: germline.
Comment: The VPS13B c.9533C>T variant is predicted to result in the amino acid substitution p.Pro3178Leu. To our knowledge, this variant has not been reported in the literature or in a large population database (gnomAD), indicating this variant is rare. At this time, the clinical significance of this variant is uncertain due to the absence of conclusive functional and genetic evidence.

NM_152564.5(VPS13B):c.9533C>T (p.Pro3178Leu)

Gene: VPS13B (vacuolar protein sorting 13 homolog B; plus strand). Cytogenetic location: 8q22.2.
Variant type: single nucleotide variant.
Coding change: c.9533C>T on transcript NM_152564.5 (MANE Select); coding-DNA position 9533, C replaced by T.
Protein change: p.Pro3178Leu; replaces proline 3178 with leucine.
Molecular consequence: missense variant.
Genome position (GRCh38, 1-based): chr8:99,832,571, C>T. VCF-style: chr8-99832571-C-T. GRCh37 (hg19) VCF-style: chr8-100844799-C-T.
Other names: c.9608C>T, p.Pro3203Leu (NM_017890.5); short protein forms P3178L, P3203L.
Identifiers: ClinVar variation 4991390 (VCV004991390.1).